The following is an entry in ClinVar:

ClinVar aggregate classification (germline): Uncertain significance (1 of 4 stars; one submission).

Submission:

Women's Health and Genetics/Laboratory Corporation of America, LabCorp
Classification: Uncertain significance. Last evaluated: 2026-04-29. Review status: criteria provided, single submitter. Criteria: LabCorp Variant Classification Summary - May 2015. Collection method: clinical testing. Allele origin: germline.
Comment: Variant summary: APOA1 c.121G>A (p.Val41Met) results in a conservative amino acid change in the encoded protein sequence. Algorithms developed to predict the effect of missense changes on protein structure and function all suggest that this variant is likely to be tolerated. The variant was absent in 251388 control chromosomes. The available data on variant occurrences in the general population are insufficient to allow any conclusion about variant significance. To our knowledge, no occurrence of c.121G>A in individuals affected with APOA1-related conditions and no experimental evidence demonstrating its impact on protein function have been reported. No submitters have cited clinical-significance assessments for this variant to ClinVar. Based on the evidence outlined above, the variant was classified as uncertain significance.

NM_000039.3(APOA1):c.121G>A (p.Val41Met)

Genes: APOA1 (apolipoprotein A1; minus strand), APOA1-AS (APOA1 antisense RNA; plus strand). Cytogenetic location: 11q23.3.
Variant type: single nucleotide variant.
Coding change: c.121G>A on transcript NM_000039.3 (MANE Select); coding-DNA position 121, G replaced by A.
Protein change: p.Val41Met; replaces valine 41 with methionine.
Molecular consequence: missense variant. On other transcripts: 5 prime UTR variant (2), intron variant (1).
Genome position (GRCh38, 1-based): chr11:116,837,080, C>T on the plus strand (G>A on the coding strand, the complement: APOA1 is on the minus strand). VCF-style: chr11-116837080-C-T. GRCh37 (hg19) VCF-style: chr11-116707796-C-T.
Other names: c.121G>A, p.Val41Met (NM_001318017.2, NM_001318018.2, NM_001425090.1 and 1 more transcripts); c.-207G>A (NM_001318021.2, NM_001425092.1); c.-128+265G>A (NM_001425091.1); short protein forms V41M.
Identifiers: ClinVar variation 4848432 (VCV004848432.1).